The following is an entry in ClinVar:

ClinVar aggregate classification (germline): Uncertain significance. Review status: criteria provided, single submitter (1 of 4 stars). 2 submissions from 2 submitters: Uncertain significance (1). 1 of the submissions does not count toward it. Last evaluated 2025-02-13.

Conditions:
EP300-related disorder. Also called: EP300-related condition; EP300-related disorders.
Rubinstein-Taybi syndrome due to EP300 haploinsufficiency. Also called: RUBINSTEIN-TAYBI SYNDROME 2; EP300-Related Rubinstein-Taybi Syndrome. Identifiers: Orphanet 353284, Orphanet 783, MedGen C3150941, MONDO:0013364, OMIM 613684.

gnomAD v4.1: 6 of 1,614,126 alleles (0.00037%); no homozygotes.

Submissions (2):

Labcorp Genetics (formerly Invitae), Labcorp
Classification: Uncertain significance for Rubinstein-Taybi syndrome due to EP300 haploinsufficiency. Last evaluated: 2025-02-13. Review status: criteria provided, single submitter. Criteria: Invitae Variant Classification Sherloc (09022015). Collection method: clinical testing. Allele origin: germline.
Comment: This sequence change replaces glycine, which is neutral and non-polar, with valine, which is neutral and non-polar, at codon 1920 of the EP300 protein (p.Gly1920Val). This variant is not present in population databases (gnomAD no frequency). This variant has not been reported in the literature in individuals affected with EP300-related conditions. ClinVar contains an entry for this variant (Variation ID: 2897647). Invitae Evidence Modeling of protein sequence and biophysical properties (such as structural, functional, and spatial information, amino acid conservation, physicochemical variation, residue mobility, and thermodynamic stability) indicates that this missense variant is not expected to disrupt EP300 protein function with a negative predictive value of 95%. In summary, the available evidence is currently insufficient to determine the role of this variant in disease. Therefore, it has been classified as a Variant of Uncertain Significance.

PreventionGenetics, part of Exact Sciences
Classification: Uncertain significance for EP300-related condition. Last evaluated: 2024-08-14. Review status: no assertion criteria provided. Collection method: clinical testing. Allele origin: germline. Not counted in ClinVar's aggregate classification.
Comment: The EP300 c.5759G>T variant is predicted to result in the amino acid substitution p.Gly1920Val. To our knowledge, this variant has not been reported in the literature or in a large population database, indicating this variant is rare. At this time, the clinical significance of this variant is uncertain due to the absence of conclusive functional and genetic evidence.

NM_001429.4(EP300):c.5759G>T (p.Gly1920Val)

Gene: EP300 (EP300 lysine acetyltransferase; plus strand). Cytogenetic location: 22q13.2.
Variant type: single nucleotide variant.
Coding change: c.5759G>T on transcript NM_001429.4 (MANE Select); coding-DNA position 5759, G replaced by T.
Protein change: p.Gly1920Val; replaces glycine 1920 with valine.
Molecular consequence: missense variant.
Genome position (GRCh38, 1-based): chr22:41,177,470, G>T. VCF-style: chr22-41177470-G-T. GRCh37 (hg19) VCF-style: chr22-41573474-G-T.
Other names: c.5681G>T, p.Gly1894Val (NM_001362843.2); c.5759G>T (NM_001429.3); short protein forms G1894V, G1920V.
Identifiers: ClinVar variation 2897647 (VCV002897647.4), dbSNP rs985714434, ClinGen allele CA324559014.